The following is an entry in ClinVar:

ClinVar aggregate classification (germline): Uncertain significance (1 of 4 stars; one submission).

Conditions:
Kabuki syndrome. Also called: NIIKAWA-KUROKI SYNDROME; Kabuki make-up syndrome. Identifiers: Orphanet 2322, MedGen C0796004, MONDO:0016512.

Submission:

Labcorp Genetics (formerly Invitae), Labcorp
Classification: Uncertain significance for Kabuki syndrome. Last evaluated: 2025-10-26. Review status: criteria provided, single submitter. Criteria: Invitae Variant Classification Sherloc (09022015). Collection method: clinical testing. Allele origin: germline.
Comment: This sequence change replaces histidine, which is basic and polar, with tyrosine, which is neutral and polar, at codon 4044 of the KMT2D protein (p.His4044Tyr). This variant is not present in population databases (gnomAD no frequency). This variant has not been reported in the literature in individuals affected with KMT2D-related conditions. Invitae Evidence Modeling of protein sequence and biophysical properties (such as structural, functional, and spatial information, amino acid conservation, physicochemical variation, residue mobility, and thermodynamic stability) indicates that this missense variant is not expected to disrupt KMT2D protein function with a negative predictive value of 95%. In summary, the available evidence is currently insufficient to determine the role of this variant in disease. Therefore, it has been classified as a Variant of Uncertain Significance.

NM_003482.4(KMT2D):c.12130C>T (p.His4044Tyr)

Gene: KMT2D (lysine methyltransferase 2D; minus strand). Cytogenetic location: 12q13.12.
Variant type: single nucleotide variant.
Coding change: c.12130C>T on transcript NM_003482.4 (MANE Select); coding-DNA position 12130, C replaced by T.
Protein change: p.His4044Tyr; replaces histidine 4044 with tyrosine.
Molecular consequence: missense variant.
Genome position (GRCh38, 1-based): chr12:49,032,575, G>A on the plus strand (C>T on the coding strand, the complement: KMT2D is on the minus strand). VCF-style: chr12-49032575-G-A. GRCh37 (hg19) VCF-style: chr12-49426358-G-A.
Other names: short protein forms H4044Y.
Identifiers: ClinVar variation 4801198 (VCV004801198.1).